The following is an entry in ClinVar:

ClinVar aggregate classification (germline): Uncertain significance (1 of 4 stars; one submission).

Conditions:
Hereditary spastic paraplegia 11. Also called: SPASTIC PARAPLEGIA, AUTOSOMAL RECESSIVE, COMPLICATED, WITH THIN CORPUS CALLOSUM; SPASTIC PARAPLEGIA, AUTOSOMAL RECESSIVE, WITH MENTAL IMPAIRMENT AND THIN CORPUS CALLOSUM; Spastic Paraplegia 11; Nakamura Osame syndrome; Autosomal recessive hereditary spastic paraplegia, mental impairment, and thin corpus callosum; Spastic paraplegia, mental retardation and thin corpus callosum. Identifiers: Orphanet 2822, MedGen C1858479, MONDO:0011445, OMIM 604360.

Submission:

Labcorp Genetics (formerly Invitae), Labcorp
Classification: Uncertain significance for Hereditary spastic paraplegia 11. Last evaluated: 2024-10-18. Review status: criteria provided, single submitter. Criteria: Invitae Variant Classification Sherloc (09022015). Collection method: clinical testing. Allele origin: germline.
Comment: This sequence change replaces tryptophan, which is neutral and slightly polar, with arginine, which is basic and polar, at codon 441 of the SPG11 protein (p.Trp441Arg). This variant is not present in population databases (gnomAD no frequency). This variant has not been reported in the literature in individuals affected with SPG11-related conditions. ClinVar contains an entry for this variant (Variation ID: 951241). Invitae Evidence Modeling of protein sequence and biophysical properties (such as structural, functional, and spatial information, amino acid conservation, physicochemical variation, residue mobility, and thermodynamic stability) indicates that this missense variant is not expected to disrupt SPG11 protein function with a negative predictive value of 80%. In summary, the available evidence is currently insufficient to determine the role of this variant in disease. Therefore, it has been classified as a Variant of Uncertain Significance.

NM_025137.4(SPG11):c.1321T>C (p.Trp441Arg)

Gene: SPG11 (SPG11 vesicle trafficking associated, spatacsin; minus strand). Cytogenetic location: 15q21.1.
Variant type: single nucleotide variant.
Coding change: c.1321T>C on transcript NM_025137.4 (MANE Select); coding-DNA position 1321, T replaced by C.
Protein change: p.Trp441Arg; replaces tryptophan 441 with arginine.
Molecular consequence: missense variant.
Genome position (GRCh38, 1-based): chr15:44,651,626, A>G on the plus strand (T>C on the coding strand, the complement: SPG11 is on the minus strand). VCF-style: chr15-44651626-A-G. GRCh37 (hg19) VCF-style: chr15-44943824-A-G.
Other names: c.1321T>C, p.Trp441Arg (NM_001160227.2); short protein forms W441R.
Identifiers: ClinVar variation 951241 (VCV000951241.9), dbSNP rs1036385500, ClinGen allele CA270102318.